The following is an entry in ClinVar:

NM_181507.2(HPS5):c.2631G>A (p.Ser877=)

Gene: HPS5 (HPS5 biogenesis of lysosomal organelles complex 2 subunit 2; minus strand). Cytogenetic location: 11p15.1.
Variant type: single nucleotide variant.
Coding change: c.2631G>A on transcript NM_181507.2 (MANE Select); coding-DNA position 2631, G replaced by A.
Protein change: p.Ser877=; no amino-acid change (serine 877 retained).
Molecular consequence: synonymous variant.
Genome position (GRCh38, 1-based): chr11:18,287,621, C>T on the plus strand (G>A on the coding strand, the complement: HPS5 is on the minus strand). VCF-style: chr11-18287621-C-T. GRCh37 (hg19) VCF-style: chr11-18309168-C-T.
Other names: c.2289G>A, p.Ser763= (NM_007216.4, NM_181508.2).
Identifiers: ClinVar variation 1359727 (VCV001359727.3), dbSNP rs765611720, ClinGen allele CA5909797.

ClinVar aggregate classification (germline): Uncertain significance (1 of 4 stars; one submission).

Allele frequency attached by ClinVar (database versions not stated): TOPMed below 0.00001; ExAC 0.00001; gnomAD 0.00001; gnomAD exomes 0.00001 and 0.00002.
gnomAD v4.1: 16 of 1,613,970 alleles (0.00099%); highest among the groups gnomAD compares: African/African-American, 0.0013%; no homozygotes.

Submission:

Labcorp Genetics (formerly Invitae), Labcorp
Classification: Uncertain significance. Last evaluated: 2022-08-23. Review status: criteria provided, single submitter. Criteria: Invitae Variant Classification Sherloc (09022015). Collection method: clinical testing. Allele origin: germline.
Comment: This sequence change affects codon 877 of the HPS5 mRNA. It is a 'silent' change, meaning that it does not change the encoded amino acid sequence of the HPS5 protein. This variant is present in population databases (rs765611720, gnomAD 0.002%). This variant has not been reported in the literature in individuals affected with HPS5-related conditions. ClinVar contains an entry for this variant (Variation ID: 1359727). Algorithms developed to predict the effect of sequence changes on RNA splicing suggest that this variant may disrupt the consensus splice site. In summary, the available evidence is currently insufficient to determine the role of this variant in disease. Therefore, it has been classified as a Variant of Uncertain Significance.